The following is an entry in ClinVar:

NM_000124.4(ERCC6):c.3965G>T (p.Gly1322Val)

Gene: ERCC6 (ERCC excision repair 6, chromatin remodeling factor; minus strand). Cytogenetic location: 10q11.23.
Variant type: single nucleotide variant.
Coding change: c.3965G>T on transcript NM_000124.4 (MANE Select); coding-DNA position 3965, G replaced by T.
Protein change: p.Gly1322Val; replaces glycine 1322 with valine.
Molecular consequence: missense variant.
Genome position (GRCh38, 1-based): chr10:49,461,370, C>A on the plus strand (G>T on the coding strand, the complement: ERCC6 is on the minus strand). VCF-style: chr10-49461370-C-A. GRCh37 (hg19) VCF-style: chr10-50669416-C-A.
Other names: c.3965G>T, p.Gly1322Val (NM_001346440.2); short protein forms G1322V.
Identifiers: ClinVar variation 300040 (VCV000300040.16), dbSNP rs4253219, ClinGen allele CA5495222.

ClinVar aggregate classification (germline): Benign. Review status: criteria provided, multiple submitters, no conflicts (2 of 4 stars). 5 submissions from 3 submitters: Benign (5). Last evaluated 2026-02-04.

Conditions:
Cerebrooculofacioskeletal syndrome 1 (COFS1). Also called: Cerebro-oculo-facio-skeletal syndrome 1. Identifiers: MedGen C0220722, MONDO:0008955, OMIM 214150.
Age related macular degeneration 5. Identifiers: MedGen C3151063, MONDO:0013409, OMIM 613761.
Cockayne syndrome type 2 (CSB). Also called: Cockayne Syndrome, Type II; COCKAYNE SYNDROME B. Identifiers: Orphanet 191, Orphanet 90322, MedGen C0751038, MONDO:0019570, OMIM 133540.

Allele frequency attached by ClinVar (database versions not stated): gnomAD 0.00009 and 0.00086; TOPMed 0.00020; gnomAD exomes 0.00140 and 0.00291; ExAC 0.00360; 1000 Genomes Project 30x 0.00718; 1000 Genomes Project 0.00779.
gnomAD v4.1: 2,183 of 1,613,410 alleles (0.14%); highest among the groups gnomAD compares: South Asian, 2.2%; 40 homozygotes.

Submissions (5):

Labcorp Genetics (formerly Invitae), Labcorp
Classification: Benign. Last evaluated: 2026-02-04. Review status: criteria provided, single submitter. Criteria: Invitae Variant Classification Sherloc (09022015). Collection method: clinical testing. Allele origin: germline.

Illumina Laboratory Services, Illumina
Classification: Benign for Age related macular degeneration 5. Last evaluated: 2018-01-13. Review status: criteria provided, single submitter. Criteria: ICSL Variant Classification Criteria 13 December 2019. Collection method: clinical testing. Allele origin: germline.
Comment: This variant was observed in the ICSL laboratory as part of a predisposition screen in an ostensibly healthy population. It had not been previously curated by ICSL or reported in the Human Gene Mutation Database (HGMD: prior to June 1st, 2018), and was therefore a candidate for classification through an automated scoring system. Utilizing variant allele frequency, disease prevalence and penetrance estimates, and inheritance mode, an automated score was calculated to assess if this variant is too frequent to cause the disease. Based on the score and internal cut-off values, a variant classified as benign is not then subjected to further curation. The score for this variant resulted in a classification of benign for this disease.

Illumina Laboratory Services, Illumina
Classification: Benign for Cockayne syndrome type 2. Last evaluated: 2018-01-13. Review status: criteria provided, single submitter. Criteria: ICSL Variant Classification Criteria 13 December 2019. Collection method: clinical testing. Allele origin: germline.
Comment: the same text as in the submission from Illumina Laboratory Services, Illumina above.

Illumina Laboratory Services, Illumina
Classification: Benign for Cerebrooculofacioskeletal syndrome 1. Last evaluated: 2018-01-13. Review status: criteria provided, single submitter. Criteria: ICSL Variant Classification Criteria 13 December 2019. Collection method: clinical testing. Allele origin: germline.
Comment: the same text as in the submission from Illumina Laboratory Services, Illumina above.

Breakthrough Genomics
Classification: Benign. Review status: criteria provided, single submitter. Criteria: ACMG Guidelines, 2015. Collection method: not provided. Allele origin: germline. Inheritance: Autosomal recessive inheritance. Affected: yes.